The following is an entry in ClinVar:

NM_052867.4(NALCN):c.4117T>C (p.Ser1373Pro)

Gene: NALCN (sodium leak channel, non-selective; minus strand). Cytogenetic location: 13q32.3.
Variant type: single nucleotide variant.
Coding change: c.4117T>C on transcript NM_052867.4 (MANE Select); coding-DNA position 4117, T replaced by C.
Protein change: p.Ser1373Pro; replaces serine 1373 with proline.
Molecular consequence: missense variant.
Genome position (GRCh38, 1-based): chr13:101,073,664, A>G on the plus strand (T>C on the coding strand, the complement: NALCN is on the minus strand). VCF-style: chr13-101073664-A-G. GRCh37 (hg19) VCF-style: chr13-101726016-A-G.
Other names: c.4204T>C, p.Ser1402Pro (NM_001350748.2); c.4117T>C, p.Ser1373Pro (NM_001350749.2); c.4030T>C, p.Ser1344Pro (NM_001350750.2, NM_001350751.2); short protein forms S1344P, S1373P, S1402P.
Identifiers: ClinVar variation 1676871 (VCV001676871.7), dbSNP rs2033053620, ClinGen allele CA388649249.

ClinVar aggregate classification (germline): Uncertain significance. Review status: criteria provided, multiple submitters, no conflicts (2 of 4 stars). 2 submissions from 2 submitters: Uncertain significance (2). Last evaluated 2025-11-27.

Submissions (2):

Labcorp Genetics (formerly Invitae), Labcorp
Classification: Uncertain significance. Last evaluated: 2025-11-27. Review status: criteria provided, single submitter. Criteria: Invitae Variant Classification Sherloc (09022015). Collection method: clinical testing. Allele origin: germline.
Comment: This sequence change replaces serine, which is neutral and polar, with proline, which is neutral and non-polar, at codon 1373 of the NALCN protein (p.Ser1373Pro). This variant is not present in population databases (gnomAD no frequency). This variant has not been reported in the literature in individuals affected with NALCN-related conditions. ClinVar contains an entry for this variant (Variation ID: 1676871). Invitae Evidence Modeling of protein sequence and biophysical properties (such as structural, functional, and spatial information, amino acid conservation, physicochemical variation, residue mobility, and thermodynamic stability) indicates that this missense variant is not expected to disrupt NALCN protein function with a negative predictive value of 80%. In summary, the available evidence is currently insufficient to determine the role of this variant in disease. Therefore, it has been classified as a Variant of Uncertain Significance.

GeneDx
Classification: Uncertain significance. Last evaluated: 2022-04-05. Review status: criteria provided, single submitter. Criteria: GeneDx Variant Classification Process June 2021. Collection method: clinical testing. Allele origin: germline. Affected: yes.
Comment: Not observed in large population cohorts (gnomAD); In silico analysis supports that this missense variant does not alter protein structure/function; Has not been previously published as pathogenic or benign to our knowledge